The following is an entry in ClinVar:

ClinVar aggregate classification (germline): Likely benign (1 of 4 stars; one submission).

gnomAD v4.1: 1 of 1,557,156 alleles (0.000064%); highest among the groups gnomAD compares: Non-Finnish European, 0.000087%; no homozygotes.

Submission:

CeGaT Center for Human Genetics Tuebingen
Classification: Likely benign. Last evaluated: 2026-07-01. Review status: criteria provided, single submitter. Criteria: CeGaT Center For Human Genetics Tuebingen Variant Classification Criteria Version 2. Collection method: clinical testing. Allele origin: germline. Affected: yes. Observed: 1 variant allele.
Comment: IBA57: BP4

NM_001010867.4(IBA57):c.679+5G>C

Gene: IBA57 (iron-sulfur cluster assembly factor IBA57; plus strand). Cytogenetic location: 1q42.13.
Variant type: single nucleotide variant.
Coding change: c.679+5G>C on transcript NM_001010867.4 (MANE Select); 5 bases into the intron after coding-DNA position 679, G replaced by C.
Molecular consequence: intron variant.
Genome position (GRCh38, 1-based): chr1:228,175,034, G>C. VCF-style: chr1-228175034-G-C. GRCh37 (hg19) VCF-style: chr1-228362735-G-C.
Other names: c.100+5G>C (NM_001310327.2).
Identifiers: ClinVar variation 5039033 (VCV005039033.1).